The following is an entry in ClinVar:

NM_004369.4(COL6A3):c.3128G>A (p.Gly1043Asp)

Gene: COL6A3 (collagen type VI alpha 3 chain; minus strand). Cytogenetic location: 2q37.3.
Variant type: single nucleotide variant.
Coding change: c.3128G>A on transcript NM_004369.4 (MANE Select); coding-DNA position 3128, G replaced by A.
Protein change: p.Gly1043Asp; replaces glycine 1043 with aspartic acid.
Molecular consequence: missense variant.
Genome position (GRCh38, 1-based): chr2:237,374,963, C>T on the plus strand (G>A on the coding strand, the complement: COL6A3 is on the minus strand). VCF-style: chr2-237374963-C-T. GRCh37 (hg19) VCF-style: chr2-238283606-C-T.
Other names: c.1907G>A, p.Gly636Asp (NM_057164.5); c.2510G>A, p.Gly837Asp (NM_057165.5, NM_057167.4); c.1307G>A, p.Gly436Asp (NM_057166.5); short protein forms G436D, G837D, G1043D, G636D.
Identifiers: ClinVar variation 4777665 (VCV004777665.2).
Genomic context (GRCh38, chr2:237,374,963, plus strand): 5'-TCCTGGCCCACATCCAGGCTTTCCACCACTCTCTGGACAAACTCTTTCAACAGAGGGAAG[C>T]CGCTCCTGACGCCCTCAGAGCCATCAAGCAGAAACACCACGTCCTTTTCACCTGAAACTG-3'
Protein context (NP_004360.2, residues 1033-1053): LLDGSEGVRS[Gly1043Asp]FPLLKEFVQR

ClinVar aggregate classification (germline): Uncertain significance. Review status: criteria provided, multiple submitters, no conflicts (2 of 4 stars). 2 submissions from 2 submitters: Uncertain significance (2). Last evaluated 2026-09-01.

Conditions:
Bethlem myopathy 1A. Also called: Bethlem Muscular Dystrophy; MYOPATHY, BENIGN CONGENITAL, WITH CONTRACTURES; Bethlem myopathy 1. Identifiers: Orphanet 610, MedGen CN029274, MONDO:0024530, OMIM 158810.

gnomAD v4.1: 1 of 1,613,854 alleles (0.000062%); highest among the groups gnomAD compares: African/African-American, 0.0013%; no homozygotes.

Submissions (2):

CeGaT Center for Human Genetics Tuebingen
Classification: Uncertain significance. Last evaluated: 2026-09-01. Review status: criteria provided, single submitter. Criteria: CeGaT Center For Human Genetics Tuebingen Variant Classification Criteria Version 2. Collection method: clinical testing. Allele origin: germline. Affected: yes. Observed: 1 variant allele.
Comment: COL6A3: PM2

Labcorp Genetics (formerly Invitae), Labcorp
Classification: Uncertain significance for Bethlem myopathy 1A. Last evaluated: 2025-04-08. Review status: criteria provided, single submitter. Criteria: Invitae Variant Classification Sherloc (09022015). Collection method: clinical testing. Allele origin: germline.
Comment: This sequence change replaces glycine, which is neutral and non-polar, with aspartic acid, which is acidic and polar, at codon 1043 of the COL6A3 protein (p.Gly1043Asp). This variant is present in population databases (no rsID available, gnomAD 0.01%). This variant has not been reported in the literature in individuals affected with COL6A3-related conditions. Invitae Evidence Modeling of protein sequence and biophysical properties (such as structural, functional, and spatial information, amino acid conservation, physicochemical variation, residue mobility, and thermodynamic stability) indicates that this missense variant is not expected to disrupt COL6A3 protein function with a negative predictive value of 80%. In summary, the available evidence is currently insufficient to determine the role of this variant in disease. Therefore, it has been classified as a Variant of Uncertain Significance.